The following is an entry in ClinVar:

ClinVar aggregate classification (germline): Pathogenic/Likely pathogenic. Review status: criteria provided, multiple submitters, no conflicts (2 of 4 stars). 3 submissions from 3 submitters: Pathogenic (1); Likely pathogenic (1). 1 of the submissions does not count toward it. Last evaluated 2025-07-22.

Conditions:
Phenylketonuria (PKU). Also called: Phenylketonurias; Phenylketonuria (PKU); OLIGOPHRENIA PHENYLPYRUVICA; FOLLING DISEASE. Identifiers: Orphanet 716, MedGen C0031485, MONDO:0009861, OMIM 261600. Disease mechanism: loss of function.

Submissions (3):

Natera, Inc.
Classification: Likely pathogenic for Phenylketonuria. Last evaluated: 2025-07-22. Review status: criteria provided, single submitter. Criteria: Natera Variant Classification Schema (03/2026). Collection method: clinical testing. Allele origin: germline.
Comment: The c.1069T>C variant in PAH is a missense variant predicted to cause substitution of cysteine to arginine at amino acid 357. This variant is rare in the general population with a frequency below the threshold expected for the associated phenotype(s). This variant has been observed in one or more individuals affected with the associated recessive disease, as either homozygous or compound heterozygous with a second variant (PMID: 31623983, 26413448). A different variant at the same position has been determined to be Pathogenic or Likely Pathogenic. Computational prediction algorithms indicate this variant is likely to affect gene or protein function. Given the available evidence, this variant is classified as Likely Pathogenic.

Labcorp Genetics (formerly Invitae), Labcorp
Classification: Pathogenic for Phenylketonuria. Last evaluated: 2023-06-16. Review status: criteria provided, single submitter. Criteria: Invitae Variant Classification Sherloc (09022015). Collection method: clinical testing. Allele origin: germline.
Comment: ClinVar contains an entry for this variant (Variation ID: 552458). This sequence change replaces cysteine, which is neutral and slightly polar, with arginine, which is basic and polar, at codon 357 of the PAH protein (p.Cys357Arg). This variant is not present in population databases (gnomAD no frequency). This missense change has been observed in individual(s) with hyperphenylalaninemia (PKU) (PMID: 26413448, 32668217; BIOPKU). Advanced modeling of protein sequence and biophysical properties (such as structural, functional, and spatial information, amino acid conservation, physicochemical variation, residue mobility, and thermodynamic stability) performed at Invitae indicates that this missense variant is expected to disrupt PAH protein function. This variant disrupts the p.Cys357 amino acid residue in PAH. Other variant(s) that disrupt this residue have been determined to be pathogenic (PMID: 32668217; BIOPKU). This suggests that this residue is clinically significant, and that variants that disrupt this residue are likely to be disease-causing. For these reasons, this variant has been classified as Pathogenic.

Counsyl
Classification: Uncertain significance for Phenylketonuria. Last evaluated: 2017-06-19. Review status: no assertion criteria provided. Collection method: clinical testing. Allele origin: unknown. Not counted in ClinVar's aggregate classification.

Literature cited by the submitters: PubMed 31623983 (cited by Natera, Inc.); PubMed 26413448 (cited by 3 submitters); PubMed 32668217 (cited by Labcorp Genetics (formerly Invitae), Labcorp).

NM_000277.3(PAH):c.1069T>C (p.Cys357Arg)

Gene: PAH (phenylalanine hydroxylase; minus strand). Cytogenetic location: 12q23.2.
Variant type: single nucleotide variant.
Coding change: c.1069T>C on transcript NM_000277.3 (MANE Select); coding-DNA position 1069, T replaced by C.
Protein change: p.Cys357Arg; replaces cysteine 357 with arginine.
Molecular consequence: missense variant.
Genome position (GRCh38, 1-based): chr12:102,843,776, A>G on the plus strand (T>C on the coding strand, the complement: PAH is on the minus strand). VCF-style: chr12-102843776-A-G. GRCh37 (hg19) VCF-style: chr12-103237554-A-G.
Other names: c.1069T>C, p.Cys357Arg (NM_001354304.2); c.1069T>C (NM_000277.2); short protein forms C357R.
Identifiers: ClinVar variation 552458 (VCV000552458.6), dbSNP rs62508595, ClinGen allele CA386493360.